The following is an entry in ClinVar:

NM_020647.4(JPH1):c.625G>A (p.Gly209Ser)

Gene: JPH1 (junctophilin 1; minus strand). Cytogenetic location: 8q21.11.
Variant type: single nucleotide variant.
Coding change: c.625G>A on transcript NM_020647.4 (MANE Select); coding-DNA position 625, G replaced by A.
Protein change: p.Gly209Ser; replaces glycine 209 with serine.
Molecular consequence: missense variant.
Genome position (GRCh38, 1-based): chr8:74,315,375, C>T on the plus strand (G>A on the coding strand, the complement: JPH1 is on the minus strand). VCF-style: chr8-74315375-C-T. GRCh37 (hg19) VCF-style: chr8-75227610-C-T.
Other names: c.625G>A, p.Gly209Ser (NM_001317830.2, NM_001363050.1, NM_001363051.1); c.625G>A (NM_020647.2); short protein forms G209S.
Identifiers: ClinVar variation 1049170 (VCV001049170.2), dbSNP rs749746871, ClinGen allele CA4784806.
Genomic context (GRCh38, chr8:74,315,375, plus strand): 5'-TGGATTCGGACTTGCGAAGTTTCATGCTTCCAAGAAGGGAGCCCCTCCGGAAGAGGCCGC[C>T]CTTCTTCTTGCCCGCTAGCTCAGCGTCTGCGTGGAAGTTGAGCACGAAACCGCCGCGGGT-3'
Protein context (NP_065698.1, residues 199-219): ADAELAGKKK[Gly209Ser]GLFRRGSLLG

ClinVar aggregate classification (germline): Uncertain significance. Review status: criteria provided, single submitter (1 of 4 stars). 2 submissions from 2 submitters: Uncertain significance (1). 1 of the submissions does not count toward it. Last evaluated 2024-10-21.

Allele frequency attached by ClinVar (database versions not stated): gnomAD 0.00001; ExAC 0.00002; gnomAD exomes 0.00002 and 0.00003; TOPMed 0.00002.
gnomAD v4.1: 40 of 1,612,616 alleles (0.0025%); highest among the groups gnomAD compares: Non-Finnish European, 0.0031%; no homozygotes.

Submissions (2):

Ambry Genetics
Classification: Uncertain significance. Last evaluated: 2024-10-21. Review status: criteria provided, single submitter. Criteria: Ambry Variant Classification Scheme 2023. Collection method: clinical testing. Allele origin: germline.

Department of Pathology and Laboratory Medicine, Sinai Health System
Classification: Uncertain significance. Review status: no assertion criteria provided. Collection method: clinical testing. Allele origin: unknown. Affected: yes. Study: The Canadian Open Genetics Repository (COGR). Not counted in ClinVar's aggregate classification.
Comment: The JPH1 p.Gly209Ser variant was not identified in the literature nor was it identified in ClinVar, Cosmic or LOVD 3.0. The variant was identified in dbSNP (ID: rs749746871) and in control databases in 4 of 238624 chromosomes at a frequency of 0.000017 (Genome Aggregation Database Feb 27, 2017). The variant was observed in the following population: European (Non-Finnish) in 4 of 105472 chromosomes (freq: 0.000038), while the variant was not observed in the African, Ashkenazi Jewish, East Asian, European (Finnish), Latino, Other, and South Asian populations. The p.Gly209 residue is not conserved in mammals and four out of five computational analyses (PolyPhen-2, SIFT, AlignGVGD, BLOSUM) do not suggest a high likelihood of impact to the protein; however, this information is not predictive enough to rule out pathogenicity. The variant occurs outside of the splicing consensus sequence and in silico or computational prediction software programs (SpliceSiteFinder, MaxEntScan, NNSPLICE, GeneSplicer) do not predict a difference in splicing. In summary, based on the above information the clinical significance of this variant cannot be determined with certainty at this time. This variant is classified as a variant of uncertain significance.